The following is an entry in ClinVar:

NM_001364905.1(LRBA):c.6010C>T (p.His2004Tyr)

Gene: LRBA (LPS responsive beige-like anchor protein; minus strand). Cytogenetic location: 4q31.3.
Variant type: single nucleotide variant.
Coding change: c.6010C>T on transcript NM_001364905.1 (MANE Select); coding-DNA position 6010, C replaced by T.
Protein change: p.His2004Tyr; replaces histidine 2004 with tyrosine.
Molecular consequence: missense variant.
Genome position (GRCh38, 1-based): chr4:150,599,043, G>A on the plus strand (C>T on the coding strand, the complement: LRBA is on the minus strand). VCF-style: chr4-150599043-G-A. GRCh37 (hg19) VCF-style: chr4-151520195-G-A.
Other names: c.6010C>T, p.His2004Tyr (NM_001199282.3, NM_001367550.1, NM_006726.5); short protein forms H2004Y.
Identifiers: ClinVar variation 655380 (VCV000655380.9), dbSNP rs774329680, ClinGen allele CA3102282.

ClinVar aggregate classification (germline): Uncertain significance. Review status: criteria provided, multiple submitters, no conflicts (2 of 4 stars). 2 submissions from 2 submitters: Uncertain significance (2). Last evaluated 2025-01-28.

Conditions:
Combined immunodeficiency due to LRBA deficiency. Also called: Common variable immunodeficiency 8, with autoimmunity. Identifiers: Orphanet 445018, MedGen C3553512, MONDO:0013863, OMIM 614700.

Allele frequency attached by ClinVar (database versions not stated): ExAC 0.00002; gnomAD exomes 0.00002 and 0.00005; TOPMed 0.00002; gnomAD 0.00003.
gnomAD v4.1: 68 of 1,613,682 alleles (0.0042%); highest among the groups gnomAD compares: Non-Finnish European, 0.0058%; no homozygotes.

Submissions (2):

St. Jude Molecular Pathology, St. Jude Children's Research Hospital
Classification: Uncertain significance for Combined immunodeficiency due to LRBA deficiency. Last evaluated: 2025-01-28. Review status: criteria provided, single submitter. Criteria: St. Jude Assertion Criteria 2020. Collection method: clinical testing. Allele origin: germline.
Comment: The LRBA c.6010C>T p.(His2004Tyr) missense change has a maximum subpopulation frequency of 0.004652% in gnomAD v2.1.1. The in silico tool REVEL is inconclusive about a pathogenic or benign effect of this variant on protein function, and to our knowledge functional studies have not been performed. To our knowledge, this variant has not been reported in individuals with LRBA-associated immunodeficiency. In summary, the evidence currently available is insufficient to determine the role of this variant in disease. It has therefore been classified as of uncertain significance.

Labcorp Genetics (formerly Invitae), Labcorp
Classification: Uncertain significance for Combined immunodeficiency due to LRBA deficiency. Last evaluated: 2021-09-01. Review status: criteria provided, single submitter. Criteria: Invitae Variant Classification Sherloc (09022015). Collection method: clinical testing. Allele origin: germline.
Comment: This sequence change replaces histidine with tyrosine at codon 2004 of the LRBA protein (p.His2004Tyr). The histidine residue is moderately conserved and there is a moderate physicochemical difference between histidine and tyrosine. This variant is present in population databases (rs774329680, ExAC 0.003%). This variant has not been reported in the literature in individuals affected with LRBA-related conditions. Algorithms developed to predict the effect of missense changes on protein structure and function are either unavailable or do not agree on the potential impact of this missense change (SIFT: "Deleterious"; PolyPhen-2: "Probably Damaging"; Align-GVGD: "Class C0"). In summary, the available evidence is currently insufficient to determine the role of this variant in disease. Therefore, it has been classified as a Variant of Uncertain Significance.